The following is an entry in ClinVar:

ClinVar aggregate classification (germline): Uncertain significance (1 of 4 stars; one submission).

Submission:

Labcorp Genetics (formerly Invitae), Labcorp
Classification: Uncertain significance. Last evaluated: 2024-09-28. Review status: criteria provided, single submitter. Criteria: Invitae Variant Classification Sherloc (09022015). Collection method: clinical testing. Allele origin: germline.
Comment: This sequence change replaces asparagine, which is neutral and polar, with lysine, which is basic and polar, at codon 398 of the KANK2 protein (p.Asn398Lys). This variant is not present in population databases (gnomAD no frequency). This variant has not been reported in the literature in individuals affected with KANK2-related conditions. An algorithm developed to predict the effect of missense changes on protein structure and function (PolyPhen-2) suggests that this variant is likely to be tolerated. In summary, the available evidence is currently insufficient to determine the role of this variant in disease. Therefore, it has been classified as a Variant of Uncertain Significance.

NM_001136191.3(KANK2):c.1194C>A (p.Asn398Lys)

Gene: KANK2 (KN motif and ankyrin repeat domains 2; minus strand). Cytogenetic location: 19p13.2.
Variant type: single nucleotide variant.
Coding change: c.1194C>A on transcript NM_001136191.3 (MANE Select); coding-DNA position 1194, C replaced by A.
Protein change: p.Asn398Lys; replaces asparagine 398 with lysine.
Molecular consequence: missense variant.
Genome position (GRCh38, 1-based): chr19:11,192,886, G>T on the plus strand (C>A on the coding strand, the complement: KANK2 is on the minus strand). VCF-style: chr19-11192886-G-T. GRCh37 (hg19) VCF-style: chr19-11303562-G-T.
Other names: c.1194C>A, p.Asn398Lys (NM_001379552.1, NM_001379553.1, NM_001379554.1 and 15 more transcripts); short protein forms N398K.
Identifiers: ClinVar variation 3694014 (VCV003694014.2).